The following is an entry in ClinVar:

NM_001127222.2(CACNA1A):c.1397C>T (p.Thr466Ile)

Gene: CACNA1A (calcium voltage-gated channel subunit alpha1 A; minus strand). Cytogenetic location: 19p13.13.
Variant type: single nucleotide variant.
Coding change: c.1397C>T on transcript NM_001127222.2 (MANE Select); coding-DNA position 1397, C replaced by T.
Protein change: p.Thr466Ile; replaces threonine 466 with isoleucine.
Molecular consequence: missense variant.
Genome position (GRCh38, 1-based): chr19:13,317,270, G>A on the plus strand (C>T on the coding strand, the complement: CACNA1A is on the minus strand). VCF-style: chr19-13317270-G-A. GRCh37 (hg19) VCF-style: chr19-13428084-G-A.
Other names: c.1400C>T, p.Thr467Ile (NM_000068.4, NM_001127221.2, NM_001174080.2 and 1 more transcripts); short protein forms T467I, T466I.
Identifiers: ClinVar variation 2024694 (VCV002024694.4), dbSNP rs2512983198, ClinGen allele CA404345905.

ClinVar aggregate classification (germline): Uncertain significance (1 of 4 stars; one submission).

Conditions:
Episodic ataxia type 2 (EA2). Also called: ATAXIA, EPISODIC, WITH NYSTAGMUS; ATAXIA, FAMILIAL PAROXYSMAL; CEREBELLAR ATAXIA, PAROXYSMAL, ACETAZOLAMIDE-RESPONSIVE; CEREBELLOPATHY, HEREDITARY PAROXYSMAL; ACETAZOLAMIDE-RESPONSIVE HEREDITARY PAROXYSMAL CEREBELLAR ATAXIA; EPISODIC ATAXIA, NYSTAGMUS-ASSOCIATED. Identifiers: Orphanet 97, MedGen C1720416, MONDO:0007163, OMIM 108500.
Developmental and epileptic encephalopathy, 42 (DEE42A). Also called: Epileptic encephalopathy, early infantile, 42; DEVELOPMENTAL AND EPILEPTIC ENCEPHALOPATHY 42A; EPILEPTIC ENCEPHALOPATHY, EARLY INFANTILE, 42A. Identifiers: MedGen C4310716, MONDO:0014917, OMIM 617106.

Submission:

Labcorp Genetics (formerly Invitae), Labcorp
Classification: Uncertain significance for Developmental and epileptic encephalopathy, 42; Episodic ataxia type 2. Last evaluated: 2025-01-08. Review status: criteria provided, single submitter. Criteria: Invitae Variant Classification Sherloc (09022015). Collection method: clinical testing. Allele origin: germline.
Comment: This sequence change replaces threonine, which is neutral and polar, with isoleucine, which is neutral and non-polar, at codon 467 of the CACNA1A protein (p.Thr467Ile). This variant is not present in population databases (gnomAD no frequency). This variant has not been reported in the literature in individuals affected with CACNA1A-related conditions. ClinVar contains an entry for this variant (Variation ID: 2024694). Invitae Evidence Modeling of protein sequence and biophysical properties (such as structural, functional, and spatial information, amino acid conservation, physicochemical variation, residue mobility, and thermodynamic stability) indicates that this missense variant is not expected to disrupt CACNA1A protein function with a negative predictive value of 95%. In summary, the available evidence is currently insufficient to determine the role of this variant in disease. Therefore, it has been classified as a Variant of Uncertain Significance.